The following is an entry in ClinVar:

NM_007254.4(PNKP):c.199C>T (p.Leu67=)

Gene: PNKP (polynucleotide kinase 3'-phosphatase; minus strand). Cytogenetic location: 19q13.33.
Variant type: single nucleotide variant.
Coding change: c.199C>T on transcript NM_007254.4 (MANE Select); coding-DNA position 199, C replaced by T.
Protein change: p.Leu67=; no amino-acid change (leucine 67 retained).
Molecular consequence: synonymous variant.
Genome position (GRCh38, 1-based): chr19:49,865,426, G>A on the plus strand (C>T on the coding strand, the complement: PNKP is on the minus strand). VCF-style: chr19-49865426-G-A. GRCh37 (hg19) VCF-style: chr19-50368683-G-A.
Identifiers: ClinVar variation 513455 (VCV000513455.1), dbSNP rs1038434528, ClinGen allele CA309498775.

ClinVar aggregate classification (germline): Likely benign (1 of 4 stars; one submission).

Allele frequency attached by ClinVar (database versions not stated): gnomAD exomes below 0.00001.

Submission:

GeneDx
Classification: Likely benign. Last evaluated: 2017-11-17. Review status: criteria provided, single submitter. Criteria: GeneDx Variant Classification (06012015). Collection method: clinical testing. Allele origin: germline. Affected: yes.
Comment: This variant is considered likely benign or benign based on one or more of the following criteria: it is a conservative change, it occurs at a poorly conserved position in the protein, it is predicted to be benign by multiple in silico algorithms, and/or has population frequency not consistent with disease.